The following is an entry in ClinVar:

ClinVar aggregate classification (germline): Uncertain significance (1 of 4 stars; one submission).

Conditions:
Hereditary cancer-predisposing syndrome. Also called: Tumor predisposition; Hereditary Cancer Syndrome; Hereditary neoplastic syndrome; Neoplastic Syndromes, Hereditary. Identifiers: Orphanet 140162, MedGen C0027672, MeSH D009386, MONDO:0015356.

gnomAD v4.1: 1 of 1,613,264 alleles (0.000062%); highest among the groups gnomAD compares: Non-Finnish European, 0.000085%; no homozygotes.

Submission:

Ambry Genetics
Classification: Uncertain significance for Hereditary cancer-predisposing syndrome. Last evaluated: 2025-10-16. Review status: criteria provided, single submitter. Criteria: Ambry Variant Classification Scheme 2023. Collection method: clinical testing. Allele origin: germline.
Comment: The p.S575C variant (also known as c.1724C>G), located in coding exon 13 of the TSC1 gene, results from a C to G substitution at nucleotide position 1724. The serine at codon 575 is replaced by cysteine, an amino acid with dissimilar properties. This amino acid position is conserved. In addition, this alteration is predicted to be tolerated by in silico analysis. Based on the available evidence, the clinical significance of this variant remains unclear.

NM_000368.5(TSC1):c.1724C>G (p.Ser575Cys)

Gene: TSC1 (TSC complex subunit 1; minus strand). Cytogenetic location: 9q34.13.
Variant type: single nucleotide variant.
Coding change: c.1724C>G on transcript NM_000368.5 (MANE Select); coding-DNA position 1724, C replaced by G.
Protein change: p.Ser575Cys; replaces serine 575 with cysteine.
Molecular consequence: missense variant. On other transcripts: non-coding transcript variant (5).
Genome position (GRCh38, 1-based): chr9:132,905,854, G>C on the plus strand (C>G on the coding strand, the complement: TSC1 is on the minus strand). VCF-style: chr9-132905854-G-C. GRCh37 (hg19) VCF-style: chr9-135781241-G-C.
Other names: c.1721C>G, p.Ser574Cys (NM_001162426.2, NM_001406597.1, NM_001406598.1 and 6 more transcripts); c.1571C>G, p.Ser524Cys (NM_001162427.2, NM_001406610.1); c.1361C>G, p.Ser454Cys (NM_001362177.2, NM_001406614.1, NM_001406615.1 and 5 more transcripts); c.1724C>G, p.Ser575Cys (NM_001406592.1, NM_001406593.1, NM_001406594.1 and 7 more transcripts); c.1568C>G, p.Ser523Cys (NM_001406611.1, NM_001406612.1, NM_001406613.1); c.1358C>G, p.Ser453Cys (NM_001406620.1, NM_001406621.1, NM_001406622.1 and 2 more transcripts); c.773C>G, p.Ser258Cys (NM_001406626.1); c.770C>G, p.Ser257Cys (NM_001406627.1, NM_001406628.1); and 1 more; short protein forms S454C, S523C, S453C, S524C, S574C, S224C, S257C, S258C.
Identifiers: ClinVar variation 4554282 (VCV004554282.1).